The following is an entry in ClinVar:

NM_000038.6(APC):c.4967C>G (p.Ser1656Cys)

Gene: APC (APC regulator of Wnt signaling pathway; plus strand). Cytogenetic location: 5q22.2.
Variant type: single nucleotide variant.
Coding change: c.4967C>G on transcript NM_000038.6 (MANE Select); coding-DNA position 4967, C replaced by G.
Protein change: p.Ser1656Cys; replaces serine 1656 with cysteine.
Molecular consequence: missense variant. On other transcripts: non-coding transcript variant (2).
Genome position (GRCh38, 1-based): chr5:112,840,561, C>G. VCF-style: chr5-112840561-C-G. GRCh37 (hg19) VCF-style: chr5-112176258-C-G.
Other names: c.4844C>G, p.Ser1615Cys (NM_001354900.2); c.4790C>G, p.Ser1597Cys (NM_001354901.2, NM_001407453.1); c.4694C>G, p.Ser1565Cys (NM_001354902.2); c.4664C>G, p.Ser1555Cys (NM_001354903.2, NM_001407458.1, NM_001407459.1 and 1 more transcripts); c.4589C>G, p.Ser1530Cys (NM_001354904.2); c.4487C>G, p.Ser1496Cys (NM_001354905.2); c.4118C>G, p.Ser1373Cys (NM_001354906.2, NM_001407470.1); c.5051C>G, p.Ser1684Cys (NM_001407446.1); and 11 more; short protein forms S1272C, S1373C, S1496C, S1527C, S1530C, S1555C, S1565C, S1573C.
Identifiers: ClinVar variation 4861073 (VCV004861073.1).

ClinVar aggregate classification (germline): Uncertain significance (1 of 4 stars; one submission).

Conditions:
Hereditary cancer-predisposing syndrome. Also called: Neoplastic Syndromes, Hereditary; Tumor predisposition; Hereditary Cancer Syndrome; Hereditary neoplastic syndrome. Identifiers: Orphanet 140162, MedGen C0027672, MeSH D009386, MONDO:0015356.

Submission:

Ambry Genetics
Classification: Uncertain significance for Hereditary cancer-predisposing syndrome. Last evaluated: 2026-04-02. Review status: criteria provided, single submitter. Criteria: Ambry Variant Classification Scheme 2023. Collection method: clinical testing. Allele origin: germline.
Comment: The p.S1656C variant (also known as c.4967C>G), located in coding exon 15 of the APC gene, results from a C to G substitution at nucleotide position 4967. The serine at codon 1656 is replaced by cysteine, an amino acid with dissimilar properties. This amino acid position is conserved. In addition, in silico predictors for this gene do not accurately predict pathogenicity. Based on the available evidence, the clinical significance of this variant remains unclear.